The following is an entry in ClinVar:

NM_004064.5(CDKN1B):c.115G>A (p.Glu39Lys)

Gene: CDKN1B (cyclin dependent kinase inhibitor 1B; plus strand). Cytogenetic location: 12p13.1.
Variant type: single nucleotide variant.
Coding change: c.115G>A on transcript NM_004064.5 (MANE Select); coding-DNA position 115, G replaced by A.
Protein change: p.Glu39Lys; replaces glutamic acid 39 with lysine.
Molecular consequence: missense variant.
Genome position (GRCh38, 1-based): chr12:12,717,954, G>A. VCF-style: chr12-12717954-G-A. GRCh37 (hg19) VCF-style: chr12-12870888-G-A.
Other names: short protein forms E39K.
Identifiers: ClinVar variation 648092 (VCV000648092.12), dbSNP rs1592280796, ClinGen allele CA383968713.
Genomic context (GRCh38, chr12:12,717,954, plus strand): 5'-AGGCAGGCGGAGCACCCCAAGCCCTCGGCCTGCAGGAACCTCTTCGGCCCGGTGGACCAC[G>A]AAGAGTTAACCCGGGACTTGGAGAAGCACTGCAGAGACATGGAAGAGGCGAGCCAGCGCA-3'
Protein context (NP_004055.1, residues 29-49): CRNLFGPVDH[Glu39Lys]ELTRDLEKHC

ClinVar aggregate classification (germline): Uncertain significance. Review status: criteria provided, multiple submitters, no conflicts (2 of 4 stars). 2 submissions from 2 submitters: Uncertain significance (2). Last evaluated 2024-11-06.

Conditions:
Multiple endocrine neoplasia type 4. Also called: MULTIPLE ENDOCRINE NEOPLASIA, TYPE IV. Identifiers: Orphanet 276152, MedGen C1970712, MONDO:0012552, OMIM 610755.
Hereditary cancer-predisposing syndrome. Also called: Hereditary Cancer Syndrome; Tumor predisposition; Neoplastic Syndromes, Hereditary; Hereditary neoplastic syndrome. Identifiers: Orphanet 140162, MedGen C0027672, MeSH D009386, MONDO:0015356.

Allele frequency attached by ClinVar (database versions not stated): gnomAD exomes below 0.00001; TOPMed below 0.00001.

Submissions (2):

Ambry Genetics
Classification: Uncertain significance for Hereditary cancer-predisposing syndrome. Last evaluated: 2024-11-06. Review status: criteria provided, single submitter. Criteria: Ambry Variant Classification Scheme 2023. Collection method: clinical testing. Allele origin: germline.
Comment: The p.E39K variant (also known as c.115G>A), located in coding exon 1 of the CDKN1B gene, results from a G to A substitution at nucleotide position 115. The glutamic acid at codon 39 is replaced by lysine, an amino acid with similar properties. This amino acid position is conserved. In addition, the in silico prediction for this alteration is inconclusive. Since supporting evidence is limited at this time, the clinical significance of this alteration remains unclear.

Labcorp Genetics (formerly Invitae), Labcorp
Classification: Uncertain significance for Multiple endocrine neoplasia type 4. Last evaluated: 2023-08-11. Review status: criteria provided, single submitter. Criteria: Invitae Variant Classification Sherloc (09022015). Collection method: clinical testing. Allele origin: germline.
Comment: This sequence change replaces glutamic acid, which is acidic and polar, with lysine, which is basic and polar, at codon 39 of the CDKN1B protein (p.Glu39Lys). In summary, the available evidence is currently insufficient to determine the role of this variant in disease. Therefore, it has been classified as a Variant of Uncertain Significance. An algorithm developed to predict the effect of missense changes on protein structure and function (PolyPhen-2) suggests that this variant is likely to be tolerated. ClinVar contains an entry for this variant (Variation ID: 648092). This variant has not been reported in the literature in individuals affected with CDKN1B-related conditions. This variant is not present in population databases (gnomAD no frequency).